The following is an entry in ClinVar:

ClinVar aggregate classification (germline): Benign. Review status: criteria provided, multiple submitters, no conflicts (2 of 4 stars). 2 submissions from 2 submitters: Benign (2). Last evaluated 2022-04-01.

Allele frequency attached by ClinVar (database versions not stated): gnomAD exomes 0.00009; ExAC 0.00032; 1000 Genomes Project 30x 0.00078; 1000 Genomes Project 0.00080; gnomAD 0.00088; ESP Exome Variant Server 0.00100; TOPMed 0.00100.
gnomAD v4.1: 269 of 1,614,090 alleles (0.017%); highest among the groups gnomAD compares: African/African-American, 0.32%; no homozygotes.

Submissions (2):

CeGaT Center for Human Genetics Tuebingen
Classification: Benign. Last evaluated: 2022-04-01. Review status: criteria provided, single submitter. Criteria: CeGaT Center For Human Genetics Tuebingen Variant Classification Criteria Version 2. Collection method: clinical testing. Allele origin: germline. Affected: yes. Observed: 1 variant allele.
Comment: AHNAK: BS1, BS2

Breakthrough Genomics
Classification: Benign. Review status: criteria provided, single submitter. Criteria: ACMG Guidelines, 2015. Collection method: not provided. Allele origin: germline. Inheritance: Unknown mechanism. Affected: yes.

NM_001620.3(AHNAK):c.252G>A (p.Leu84=)

Gene: AHNAK (AHNAK nucleoprotein; minus strand). Cytogenetic location: 11q12.3.
Variant type: single nucleotide variant.
Coding change: c.252G>A on transcript NM_001620.3 (MANE Select); coding-DNA position 252, G replaced by A.
Protein change: p.Leu84=; no amino-acid change (leucine 84 retained).
Molecular consequence: synonymous variant.
Genome position (GRCh38, 1-based): chr11:62,535,093, C>T on the plus strand (G>A on the coding strand, the complement: AHNAK is on the minus strand). VCF-style: chr11-62535093-C-T. GRCh37 (hg19) VCF-style: chr11-62302565-C-T.
Other names: c.252G>A, p.Leu84= (NM_001346445.2, NM_001346446.2, NM_024060.4).
Identifiers: ClinVar variation 2641880 (VCV002641880.25), dbSNP rs114927504, ClinGen allele CA6046950.